The following is an entry in ClinVar:

NM_001378452.1(ITPR1):c.878G>A (p.Arg293Gln)

Gene: ITPR1 (inositol 1,4,5-trisphosphate receptor type 1; plus strand). Cytogenetic location: 3p26.1.
Variant type: single nucleotide variant.
Coding change: c.878G>A on transcript NM_001378452.1 (MANE Select); coding-DNA position 878, G replaced by A.
Protein change: p.Arg293Gln; replaces arginine 293 with glutamine.
Molecular consequence: missense variant.
Genome position (GRCh38, 1-based): chr3:4,652,145, G>A. VCF-style: chr3-4652145-G-A. GRCh37 (hg19) VCF-style: chr3-4693829-G-A.
Other names: c.878G>A, p.Arg293Gln (NM_001099952.4, NM_001168272.2, NM_002222.7); c.878G>A (NM_002222.5); short protein forms R293Q.
Identifiers: ClinVar variation 2075174 (VCV002075174.5), dbSNP rs745432988, ClinGen allele CA2231008.
Genomic context (GRCh38, chr3:4,652,145, plus strand): 5'-GTTGACATTTCATTGACTCCTGTTGATCATTCTTGCAGGTGGTCCAGCATGACCCATGTC[G>A]GGGCGGAGCAGGGTATTGGAACAGCCTTTTCCGTTTCAAGCATCTGGCCACGGGGCATTA-3'
Protein context (NP_001365381.1, residues 283-303): EVEVVQHDPC[Arg293Gln]GGAGYWNSLF

ClinVar aggregate classification (germline): Uncertain significance. Review status: criteria provided, multiple submitters, no conflicts (2 of 4 stars). 2 submissions from 2 submitters: Uncertain significance (2). Last evaluated 2025-11-03.

Allele frequency attached by ClinVar (database versions not stated): gnomAD 0.00001; gnomAD exomes 0.00001; TOPMed 0.00001; ExAC 0.00002.
gnomAD v4.1: 21 of 1,612,462 alleles (0.0013%); highest among the groups gnomAD compares: Admixed American, 0.005%; no homozygotes.

Submissions (2):

Labcorp Genetics (formerly Invitae), Labcorp
Classification: Uncertain significance. Last evaluated: 2025-11-03. Review status: criteria provided, single submitter. Criteria: Invitae Variant Classification Sherloc (09022015). Collection method: clinical testing. Allele origin: germline.
Comment: This sequence change replaces arginine, which is basic and polar, with glutamine, which is neutral and polar, at codon 293 of the ITPR1 protein (p.Arg293Gln). This variant is present in population databases (rs745432988, gnomAD 0.006%). This variant has not been reported in the literature in individuals affected with ITPR1-related conditions. ClinVar contains an entry for this variant (Variation ID: 2075174). Invitae Evidence Modeling of protein sequence and biophysical properties (such as structural, functional, and spatial information, amino acid conservation, physicochemical variation, residue mobility, and thermodynamic stability) has been performed for this missense variant. However, the output from this modeling did not meet the statistical confidence thresholds required to predict the impact of this variant on ITPR1 protein function. In summary, the available evidence is currently insufficient to determine the role of this variant in disease. Therefore, it has been classified as a Variant of Uncertain Significance.

GeneDx
Classification: Uncertain significance. Last evaluated: 2022-12-15. Review status: criteria provided, single submitter. Criteria: GeneDx Variant Classification Process June 2021. Collection method: clinical testing. Allele origin: germline. Affected: yes.
Comment: In silico analysis supports that this missense variant has a deleterious effect on protein structure/function; Has not been previously published as pathogenic or benign to our knowledge